The following is an entry in ClinVar:

ClinVar aggregate classification (germline): Uncertain significance (1 of 4 stars; one submission).

Conditions:
Peroxisome biogenesis disorder 11A (Zellweger). Also called: Peroxisome biogenesis disorder 11A. Identifiers: Orphanet 912, MedGen C3554000, MONDO:0013949, OMIM 614883.

Allele frequency attached by ClinVar (database versions not stated): gnomAD exomes below 0.00001; gnomAD 0.00001.

Submission:

Labcorp Genetics (formerly Invitae), Labcorp
Classification: Uncertain significance for Peroxisome biogenesis disorder 11A (Zellweger). Last evaluated: 2023-07-19. Review status: criteria provided, single submitter. Criteria: Invitae Variant Classification Sherloc (09022015). Collection method: clinical testing. Allele origin: germline.
Comment: This sequence change replaces glutamic acid, which is acidic and polar, with aspartic acid, which is acidic and polar, at codon 289 of the PEX13 protein (p.Glu289Asp). This variant is present in population databases (no rsID available, gnomAD 0.003%). This variant has not been reported in the literature in individuals affected with PEX13-related conditions. ClinVar contains an entry for this variant (Variation ID: 1909370). Advanced modeling of protein sequence and biophysical properties (such as structural, functional, and spatial information, amino acid conservation, physicochemical variation, residue mobility, and thermodynamic stability) performed at Invitae indicates that this missense variant is not expected to disrupt PEX13 protein function. In summary, the available evidence is currently insufficient to determine the role of this variant in disease. Therefore, it has been classified as a Variant of Uncertain Significance.

NM_002618.4(PEX13):c.867A>C (p.Glu289Asp)

Gene: PEX13 (peroxisomal biogenesis factor 13; plus strand). Cytogenetic location: 2p15.
Variant type: single nucleotide variant.
Coding change: c.867A>C on transcript NM_002618.4 (MANE Select); coding-DNA position 867, A replaced by C.
Protein change: p.Glu289Asp; replaces glutamic acid 289 with aspartic acid.
Molecular consequence: missense variant.
Genome position (GRCh38, 1-based): chr2:61,045,805, A>C. VCF-style: chr2-61045805-A-C. GRCh37 (hg19) VCF-style: chr2-61272940-A-C.
Other names: short protein forms E289D.
Identifiers: ClinVar variation 1909370 (VCV001909370.5), dbSNP rs1241907213, ClinGen allele CA346948681.
Genomic context (GRCh38, chr2:61,045,805, plus strand): 5'-TGGTGAGGATGACCATGTAGTTGCCAGAGCAGAATATGATTTTGCTGCCGTATCTGAAGA[A>C]GAAATTTCTTTCCGGGCTGGTGATATGCTGAACTTAGCTCTCAAAGGTAATAAATTATGA-3'
Protein context (NP_002609.1, residues 279-299): AEYDFAAVSE[Glu289Asp]EISFRAGDML